The following is an entry in ClinVar:

ClinVar aggregate classification (germline): Likely benign (0 of 4 stars; one submission).

Conditions:
DKC1-related disorder. Also called: DKC1-related condition. Identifiers: MedGen CN294808, MONDO:0100152.

Submission:

PreventionGenetics, part of Exact Sciences
Classification: Likely benign for DKC1-related condition. Last evaluated: 2021-07-27. Review status: no assertion criteria provided. Collection method: clinical testing. Allele origin: germline.
Comment: This variant is classified as likely benign based on ACMG/AMP sequence variant interpretation guidelines (Richards et al. 2015 PMID: 25741868, with internal and published modifications).

NM_001363.5(DKC1):c.641-18TG[4]

Gene: DKC1 (dyskerin pseudouridine synthase 1; plus strand). Cytogenetic location: Xq28.
Variant type: Microsatellite.
Coding change: c.641-18TG[4] on transcript NM_001363.5 (MANE Select); four copies in a row of the 2-base unit TG starting at c.641-18.
Molecular consequence: intron variant.
Genome position: GRCh38 VCF-style: chrX-154768283-TTG-T. GRCh37 (hg19) VCF-style: chrX-153996558-TTG-T.
Other names: c.641-18TG[4] (NM_001288747.2, NM_001142463.3).
Identifiers: ClinVar variation 3036414 (VCV003036414.2), dbSNP rs2071776043, ClinGen allele CA2466785504.